The following is an entry in ClinVar:

ClinVar aggregate classification (germline): Pathogenic (1 of 4 stars; one submission).

Conditions:
Duchenne muscular dystrophy (DMD). Also called: MUSCULAR DYSTROPHY, PSEUDOHYPERTROPHIC PROGRESSIVE, DUCHENNE TYPE; Duchenne Muscular Dystrophy (DMD). Identifiers: Orphanet 98896, MedGen C0013264, MONDO:0010679, OMIM 310200.

Submission:

Labcorp Genetics (formerly Invitae), Labcorp
Classification: Pathogenic for Duchenne muscular dystrophy. Last evaluated: 2018-05-08. Review status: criteria provided, single submitter. Criteria: Invitae Variant Classification Sherloc (09022015). Collection method: clinical testing. Allele origin: germline.
Comment: This variant is an in-frame deletion of the genomic region encompassing exons 8-21 of the DMD gene. It preserves the integrity of the reading frame. This variant has been observed in several individuals affected with Duchenne (DMD) and/or Becker (BMD) Muscular DystrophyÂ¬â€  (PMID: 17259292, 18752307, Invitae). In-frame exonic deletions in DMD are typically pathogenic (PMID:Â¬â€ 19937601,Â¬â€ 20485447). Sub-genic deletions encompassing exons 9-13 have been determined to be pathogenic (PMID: 17259292, 25482253, 18752307,Â¬â€ 18055393,Â¬â€ 14641995, 28181689). Therefore, deletions that fully encompass that region are also expected to be pathogenic. For these reasons, this variant has been classified as Pathogenic.

Literature cited by the submitters: PubMed 25482253; PubMed 18752307; PubMed 17259292.

NC_000023.11:g.(?_32484899)_(32699313_?)del

Genes: DMD (dystrophin; minus strand), MIR3915 (microRNA 3915; minus strand), MIR548F5 (microRNA 548f-5; minus strand). Cytogenetic location: Xp21.1.
Variant type: Deletion.
Identifiers: ClinVar variation 583999 (VCV000583999.1).